The following is an entry in ClinVar:

NM_000079.4(CHRNA1):c.63C>T (p.Ser21=)

Gene: CHRNA1 (cholinergic receptor nicotinic alpha 1 subunit; minus strand). Cytogenetic location: 2q31.1.
Variant type: single nucleotide variant.
Coding change: c.63C>T on transcript NM_000079.4 (MANE Select); coding-DNA position 63, C replaced by T.
Protein change: p.Ser21=; no amino-acid change (serine 21 retained).
Molecular consequence: synonymous variant.
Genome position (GRCh38, 1-based): chr2:174,759,614, G>A on the plus strand (C>T on the coding strand, the complement: CHRNA1 is on the minus strand). VCF-style: chr2-174759614-G-A. GRCh37 (hg19) VCF-style: chr2-175624342-G-A.
Other names: c.63C>T, p.Ser21= (NM_001039523.3); c.63C>T (NM_001039523.2).
Identifiers: ClinVar variation 1556843 (VCV001556843.9), dbSNP rs751313425, ClinGen allele CA1974708.

ClinVar aggregate classification (germline): Likely benign. Review status: criteria provided, multiple submitters, no conflicts (2 of 4 stars). 2 submissions from 2 submitters: Likely benign (2). Last evaluated 2026-02-09.

Conditions:
Lethal multiple pterygium syndrome (LMPS). Identifiers: Orphanet 33108, MedGen C1854678, MONDO:0009668, OMIM 253290.
CHRNA1-related disorder. Also called: CHRNA1-related condition.

Allele frequency attached by ClinVar (database versions not stated): gnomAD exomes 0.00002 and 0.00003; ExAC 0.00003; gnomAD 0.00005; TOPMed 0.00008.
gnomAD v4.1: 36 of 1,613,520 alleles (0.0022%); highest among the groups gnomAD compares: Admixed American, 0.015%; no homozygotes.

Submissions (2):

PreventionGenetics, part of Exact Sciences
Classification: Likely benign for CHRNA1-related condition. Last evaluated: 2026-02-09. Review status: criteria provided, single submitter. Criteria: ACMG Guidelines, 2015. Collection method: clinical testing. Allele origin: germline.
Comment: This variant is classified as likely benign based on ACMG/AMP sequence variant interpretation guidelines (Richards et al. 2015 PMID: 25741868, with internal and published modifications).

Labcorp Genetics (formerly Invitae), Labcorp
Classification: Likely benign for Lethal multiple pterygium syndrome. Last evaluated: 2025-12-02. Review status: criteria provided, single submitter. Criteria: Invitae Variant Classification Sherloc (09022015). Collection method: clinical testing. Allele origin: germline.